The following is an entry in ClinVar:

ClinVar aggregate classification (germline): Benign/Likely benign. Review status: criteria provided, multiple submitters, no conflicts (2 of 4 stars). 3 submissions from 3 submitters: Benign (1); Likely benign (2). Last evaluated 2025-04-29.

Conditions:
Hereditary cancer-predisposing syndrome. Also called: Hereditary Cancer Syndrome; Neoplastic Syndromes, Hereditary; Hereditary neoplastic syndrome; Tumor predisposition. Identifiers: Orphanet 140162, MedGen C0027672, MeSH D009386, MONDO:0015356.
Tuberous sclerosis 1 (TSC1). Identifiers: Orphanet 805, MedGen C1854465, MONDO:0008612, OMIM 191100.

Submissions (3):

Myriad Genetics, Inc.
Classification: Benign for Tuberous sclerosis 1. Last evaluated: 2025-04-29. Review status: criteria provided, single submitter. Criteria: Myriad Autosomal Dominant, Autosomal Recessive and X-Linked Classification Criteria (2023). Collection method: clinical testing. Allele origin: unknown.
Comment: This variant is considered benign. This variant is a silent/synonymous amino acid change and it is not expected to impact splicing.

Labcorp Genetics (formerly Invitae), Labcorp
Classification: Likely benign for Tuberous sclerosis 1. Last evaluated: 2022-03-09. Review status: criteria provided, single submitter. Criteria: Invitae Variant Classification Sherloc (09022015). Collection method: clinical testing. Allele origin: germline.

Ambry Genetics
Classification: Likely benign for Hereditary cancer-predisposing syndrome. Last evaluated: 2019-01-10. Review status: criteria provided, single submitter. Criteria: Ambry Variant Classification Scheme 2023. Collection method: clinical testing. Allele origin: germline.

NM_000368.5(TSC1):c.2736G>A (p.Leu912=)

Gene: TSC1 (TSC complex subunit 1; minus strand). Cytogenetic location: 9q34.13.
Variant type: single nucleotide variant.
Coding change: c.2736G>A on transcript NM_000368.5 (MANE Select); coding-DNA position 2736, G replaced by A.
Protein change: p.Leu912=; no amino-acid change (leucine 912 retained).
Molecular consequence: synonymous variant.
Genome position (GRCh38, 1-based): chr9:132,897,500, C>T on the plus strand (G>A on the coding strand, the complement: TSC1 is on the minus strand). VCF-style: chr9-132897500-C-T. GRCh37 (hg19) VCF-style: chr9-135772887-C-T.
Other names: c.2733G>A, p.Leu911= (NM_001162426.2); c.2583G>A, p.Leu861= (NM_001162427.2); c.2373G>A, p.Leu791= (NM_001362177.2).
Identifiers: ClinVar variation 821739 (VCV000821739.11), dbSNP rs1588290587, ClinGen allele CA467812818.